The following is an entry in ClinVar:

NM_001844.5(COL2A1):c.3489+3_3489+6del

Gene: COL2A1 (collagen type II alpha 1 chain; minus strand). Cytogenetic location: 12q13.11.
Variant type: Deletion.
Coding change: c.3489+3_3489+6del on transcript NM_001844.5 (MANE Select); bases 3 to 6 of the intron after coding-DNA position 3489, 4 bases deleted (AAGT; older notation c.3489+3_3489+6delAAGT).
Molecular consequence: splice donor variant.
Genome position (GRCh38, 1-based): chr12:47,976,508-47,976,511, ACTT deleted on the plus strand (AAGT on the coding strand, the reverse complement: COL2A1 is on the minus strand); deleting any 4 consecutive bases within chr12:47,976,508-47,976,514 gives the same sequence; the c. name uses the placement nearest the transcript's 3' end. VCF-style (leftmost placement, unchanged base first): chr12-47976507-CACTT-C. GRCh37 (hg19) VCF-style: chr12-48370290-CACTT-C.
Other names: c.3282+3_3282+6del (NM_033150.3).
Identifiers: ClinVar variation 2698987 (VCV002698987.3), dbSNP rs2540104316, ClinGen allele CA645570661.
Genomic context (GRCh38, chr12:47,976,507, plus strand): 5'-CCCCATGGGAACACAGGCCCACACTCTCTGAAGGGCCCCCTCCATCTTCCAACTCCATGT[CACTT>C]ACTCTAGGGCCAGAAGGACCAGCAGGACCAGAAGCACCTTGGTCTCCAGAAGGACCCTGT-3'

ClinVar aggregate classification (germline): Uncertain significance (1 of 4 stars; one submission).

Submission:

Labcorp Genetics (formerly Invitae), Labcorp
Classification: Uncertain significance. Last evaluated: 2026-01-18. Review status: criteria provided, single submitter. Criteria: Invitae Variant Classification Sherloc (09022015). Collection method: clinical testing. Allele origin: germline.
Comment: This sequence change falls in intron 49 of the COL2A1 gene. It does not directly change the encoded amino acid sequence of the COL2A1 protein. It affects a nucleotide within the consensus splice site. This variant is not present in population databases (gnomAD no frequency). This variant has not been reported in the literature in individuals affected with COL2A1-related conditions. ClinVar contains an entry for this variant (Variation ID: 2698987). Variants that disrupt the consensus splice site are a relatively common cause of aberrant splicing (PMID: 17576681, 9536098). Algorithms developed to predict the effect of sequence changes on RNA splicing suggest that this variant may disrupt the consensus splice site. In summary, the available evidence is currently insufficient to determine the role of this variant in disease. Therefore, it has been classified as a Variant of Uncertain Significance.

Literature cited by the submitters: PubMed 17576681; PubMed 9536098.